The following is an entry in ClinVar:

NM_006767.4(LZTR1):c.321-3del

Gene: LZTR1 (leucine zipper like post translational regulator 1; plus strand). Cytogenetic location: 22q11.21.
Variant type: Deletion.
Coding change: c.321-3del on transcript NM_006767.4 (MANE Select); 3 bases into the intron before coding-DNA position 321, one base deleted (C; older notation c.321-3delC).
Molecular consequence: intron variant.
Genome position (GRCh38, 1-based): chr22:20,987,501, C deleted; the last of 4 consecutive C bases (chr22:20,987,498-20,987,501); deleting any one gives the same sequence. VCF-style (leftmost placement, unchanged base first): chr22-20987497-AC-A. GRCh37 (hg19) VCF-style: chr22-21341786-AC-A.
Identifiers: ClinVar variation 4883959 (VCV004883959.2).

ClinVar aggregate classification (germline): Uncertain significance (1 of 4 stars; one submission).

Submission:

Dasa
Classification: Uncertain significance. Last evaluated: 2025-12-01. Review status: criteria provided, single submitter. Criteria: DASA Assertion Criteria. Collection method: clinical testing. Allele origin: germline.
Comment: NM_006767.4(LZTR1):c.321-3del is a splice-region variant. This variant is rare in population databases. The currently available literature and clinical evidence are not sufficient to establish a definitive association between this variant and the reported condition. Therefore, this variant is classified as a variant of uncertain significance.